The following is an entry in ClinVar:

NM_032119.4(ADGRV1):c.267C>T (p.Ala89=)

Gene: ADGRV1 (adhesion G protein-coupled receptor V1; plus strand). Cytogenetic location: 5q14.3.
Variant type: single nucleotide variant.
Coding change: c.267C>T on transcript NM_032119.4 (MANE Select); coding-DNA position 267, C replaced by T.
Protein change: p.Ala89=; no amino-acid change (alanine 89 retained).
Molecular consequence: synonymous variant. On other transcripts: non-coding transcript variant (1).
Genome position (GRCh38, 1-based): chr5:90,617,863, C>T. VCF-style: chr5-90617863-C-T. GRCh37 (hg19) VCF-style: chr5-89913680-C-T.
Identifiers: ClinVar variation 196563 (VCV000196563.20), dbSNP rs759771981, ClinGen allele CA243557.

ClinVar aggregate classification (germline): Conflicting classifications of pathogenicity. Review status: criteria provided, conflicting classifications (1 of 4 stars). 5 submissions from 5 submitters: Uncertain significance (2); Likely benign (3). Last evaluated 2026-01-19.

Conditions:
ADGRV1-related disorder. Also called: ADGRV1-related condition; ADGRV1-related disorders.
Usher syndrome type 2C. Also called: Usher syndrome, type 2B; USHER SYNDROME, TYPE IIC. Identifiers: Orphanet 231178, Orphanet 886, MedGen C2931213, MONDO:0011558, OMIM 605472.

Allele frequency attached by ClinVar (database versions not stated): gnomAD 0.00003; gnomAD exomes 0.00005; TOPMed 0.00005; ExAC 0.00006.
gnomAD v4.1: 47 of 1,599,596 alleles (0.0029%); highest among the groups gnomAD compares: Admixed American, 0.016%; no homozygotes.

Submissions (5):

Labcorp Genetics (formerly Invitae), Labcorp
Classification: Likely benign. Last evaluated: 2026-01-19. Review status: criteria provided, single submitter. Criteria: Invitae Variant Classification Sherloc (09022015). Collection method: clinical testing. Allele origin: germline.

PreventionGenetics, part of Exact Sciences
Classification: Likely benign for ADGRV1-related condition. Last evaluated: 2025-03-27. Review status: criteria provided, single submitter. Criteria: ACMG Guidelines, 2015. Collection method: clinical testing. Allele origin: germline.
Comment: This variant is classified as likely benign based on ACMG/AMP sequence variant interpretation guidelines (Richards et al. 2015 PMID: 25741868, with internal and published modifications).

Blueprint Genetics
Classification: Likely benign. Last evaluated: 2024-05-27. Review status: criteria provided, single submitter. Criteria: ACMG Guidelines, 2015. Collection method: clinical testing. Allele origin: germline.

Illumina Laboratory Services, Illumina
Classification: Uncertain significance for Usher syndrome type 2C. Last evaluated: 2018-01-12. Review status: criteria provided, single submitter. Criteria: ICSL Variant Classification Criteria 13 December 2019. Collection method: clinical testing. Allele origin: germline.

Eurofins Ntd Llc (ga)
Classification: Uncertain significance. Last evaluated: 2014-11-19. Review status: criteria provided, single submitter. Criteria: EGL Classification Definitions 2015. Collection method: clinical testing. Allele origin: germline. Observed: 1 variant allele, 1 heterozygote.